The following is an entry in ClinVar:

NM_006231.4(POLE):c.950T>G (p.Ile317Ser)

Gene: POLE (DNA polymerase epsilon, catalytic subunit; minus strand). Cytogenetic location: 12q24.33.
Variant type: single nucleotide variant.
Coding change: c.950T>G on transcript NM_006231.4 (MANE Select); coding-DNA position 950, T replaced by G.
Protein change: p.Ile317Ser; replaces isoleucine 317 with serine.
Molecular consequence: missense variant.
Genome position (GRCh38, 1-based): chr12:132,676,164, A>C on the plus strand (T>G on the coding strand, the complement: POLE is on the minus strand). VCF-style: chr12-132676164-A-C. GRCh37 (hg19) VCF-style: chr12-133252750-A-C.
Other names: short protein forms I317S.
Identifiers: ClinVar variation 439283 (VCV000439283.15), dbSNP rs1060500783, ClinGen allele CA387363805.
Genomic context (GRCh38, chr12:132,676,164, plus strand): 5'-TCATTGAAGACACAAAAGGGGCCTTCATATTCTGGCTTGGGGGTGAACTCAAAATCTTCA[A>C]TATCTTCTGAAACAATCTCCCTGTTGGTGATGAGGTAGCCCTAGCCAAGTTCATTAGCAA-3'
Protein context (NP_006222.2, residues 307-327): ITNREIVSED[Ile317Ser]EDFEFTPKPE

ClinVar aggregate classification (germline): Uncertain significance. Review status: criteria provided, multiple submitters, no conflicts (2 of 4 stars). 3 submissions from 3 submitters: Uncertain significance (3). Last evaluated 2026-01-09.

Conditions:
Hereditary cancer-predisposing syndrome. Also called: Neoplastic Syndromes, Hereditary; Tumor predisposition; Hereditary neoplastic syndrome; Hereditary Cancer Syndrome. Identifiers: Orphanet 140162, MedGen C0027672, MeSH D009386, MONDO:0015356.

Submissions (3):

Ambry Genetics
Classification: Uncertain significance for Hereditary cancer-predisposing syndrome. Last evaluated: 2026-01-09. Review status: criteria provided, single submitter. Criteria: Ambry Variant Classification Scheme 2023. Collection method: clinical testing. Allele origin: germline.
Comment: The p.I317S variant (also known as c.950T>G), located in coding exon 10 of the POLE gene, results from a T to G substitution at nucleotide position 950. The isoleucine at codon 317 is replaced by serine, an amino acid with dissimilar properties. This amino acid position is well conserved in available vertebrate species. In addition, the in silico prediction for this alteration is inconclusive. Based on the available evidence, the clinical significance of this variant remains unclear.

Labcorp Genetics (formerly Invitae), Labcorp
Classification: Uncertain significance. Last evaluated: 2022-12-20. Review status: criteria provided, single submitter. Criteria: Invitae Variant Classification Sherloc (09022015). Collection method: clinical testing. Allele origin: germline.
Comment: ClinVar contains an entry for this variant (Variation ID: 439283). In summary, the available evidence is currently insufficient to determine the role of this variant in disease. Therefore, it has been classified as a Variant of Uncertain Significance. Advanced modeling of protein sequence and biophysical properties (such as structural, functional, and spatial information, amino acid conservation, physicochemical variation, residue mobility, and thermodynamic stability) performed at Invitae indicates that this missense variant is expected to disrupt POLE protein function. This variant has not been reported in the literature in individuals affected with POLE-related conditions. This variant is not present in population databases (gnomAD no frequency). This sequence change replaces isoleucine, which is neutral and non-polar, with serine, which is neutral and polar, at codon 317 of the POLE protein (p.Ile317Ser).

Quest Diagnostics Nichols Institute San Juan Capistrano
Classification: Uncertain significance. Last evaluated: 2016-11-11. Review status: criteria provided, single submitter. Criteria: Quest Diagnostics criteria. Collection method: clinical testing. Allele origin: germline.